The following is an entry in ClinVar:

NM_000444.6(PHEX):c.664-1G>A

Gene: PHEX (phosphate regulating endopeptidase X-linked; plus strand). Cytogenetic location: Xp22.11.
Variant type: single nucleotide variant.
Coding change: c.664-1G>A on transcript NM_000444.6 (MANE Select); the canonical splice acceptor site of the intron before coding-DNA position 664, G replaced by A.
Molecular consequence: splice acceptor variant.
Genome position (GRCh38, 1-based): chrX:22,090,428, G>A. VCF-style: chrX-22090428-G-A. GRCh37 (hg19) VCF-style: chrX-22108546-G-A.
Other names: c.664-1G>A (NM_001282754.2).
Identifiers: ClinVar variation 280300 (VCV000280300.7), dbSNP rs886041529, ClinGen allele CA10603713.

ClinVar aggregate classification (germline): Pathogenic/Likely pathogenic. Review status: criteria provided, multiple submitters, no conflicts (2 of 4 stars). 3 submissions from 3 submitters: Pathogenic (2); Likely pathogenic (1). Last evaluated 2024-03-26.

Conditions:
Familial X-linked hypophosphatemic vitamin D refractory rickets (XLHRD). Also called: Hypophosphatemia, vitamin D-resistant rickets; Vitamin D-resistant rickets, X-linked; X-Linked Hypophosphatemia; Hypophosphatemic Rickets, X-Linked Dominant; HYPOPHOSPHATEMIC VITAMIN D-RESISTANT RICKETS. Identifiers: Orphanet 89936, MedGen C0733682, MONDO:0010619, OMIM 307800.

Submissions (3):

Labcorp Genetics (formerly Invitae), Labcorp
Classification: Pathogenic. Last evaluated: 2024-03-26. Review status: criteria provided, single submitter. Criteria: Invitae Variant Classification Sherloc (09022015). Collection method: clinical testing. Allele origin: germline.
Comment: This sequence change affects an acceptor splice site in intron 5 of the PHEX gene. RNA analysis indicates that disruption of this splice site induces altered splicing and likely results in the loss of 23 amino acid residue(s), but is expected to preserve the integrity of the reading-frame. This variant is not present in population databases (gnomAD no frequency). Disruption of this splice site has been observed in individual(s) with hypophosphatemia (PMID: 30682568, 32329911; Invitae). In at least one individual the variant was observed to be de novo. ClinVar contains an entry for this variant (Variation ID: 280300). Studies have shown that disruption of this splice site results in the activation of a cryptic splice site in exon 6 (PMID: 32329911). For these reasons, this variant has been classified as Pathogenic.

Neuberg Centre For Genomic Medicine, NCGM
Classification: Likely pathogenic for Familial X-linked hypophosphatemic vitamin D refractory rickets. Last evaluated: 2023-06-22. Review status: criteria provided, single submitter. Criteria: ACMG Guidelines, 2015. Collection method: clinical testing. Allele origin: germline. Inheritance: X-linked dominant inheritance. Affected: yes.
Comment: The invariant splice acceptor c.664-1G>A variant in PHEX gene has been submitted to the ClinVar database as Pathogenic / Likely pathogenic. This variant has not been reported in affected individuals in the literature, to our knowledge. Studies have shown that disruption of this splice site results in the activation of a cryptic splice site in exon 6 (Zheng B, et. al., 2020). The c.664-1G>A variant is absent in gnomAD Exomes. Splice AI predicts this variant to cause splice acceptor loss (1) and splice acceptor gain (0.16). For these reasons, this variant has been classified as Likely Pathogenic.

GeneDx
Classification: Pathogenic. Last evaluated: 2018-04-04. Review status: criteria provided, single submitter. Criteria: GeneDx Variant Classification (06012015). Collection method: clinical testing. Allele origin: germline. Affected: yes.
Comment: The c.664-1 G>A splice site variant in the PHEX gene destroys the canonical splice acceptor site in intron 5. It is predicted to cause abnormal gene splicing, either leading to an abnormal message that is subject to nonsense-mediated mRNA decay, or to an abnormal protein product if the message is used for protein translation. The c.664-1 G>A variant was not observed in approximately 6,500 individuals of European and African American ancestry in the NHLBI Exome Sequencing Project, indicating it is not a common benign variant in these populations. Although this variant has not been previously reported to our knowledge, we consider it to be pathogenic.

Literature cited by the submitters: PubMed 30682568 (cited by Labcorp Genetics (formerly Invitae), Labcorp); PubMed 32329911 (cited by Labcorp Genetics (formerly Invitae), Labcorp).